The following is an entry in ClinVar:

ClinVar aggregate classification (germline): Uncertain significance (1 of 4 stars; one submission).

Conditions:
Hereditary cancer-predisposing syndrome. Also called: Tumor predisposition; Hereditary Cancer Syndrome; Hereditary neoplastic syndrome; Neoplastic Syndromes, Hereditary. Identifiers: Orphanet 140162, MedGen C0027672, MeSH D009386, MONDO:0015356.

gnomAD v4.1: 2 of 1,612,300 alleles (0.00012%); highest among the groups gnomAD compares: Non-Finnish European, 0.00017%; no homozygotes.

Submission:

Ambry Genetics
Classification: Uncertain significance for Hereditary cancer-predisposing syndrome. Last evaluated: 2024-06-12. Review status: criteria provided, single submitter. Criteria: Ambry Variant Classification Scheme 2023. Collection method: clinical testing. Allele origin: germline.
Comment: The p.K405N variant (also known as c.1215G>C), located in coding exon 10 of the MRE11A gene, results from a G to C substitution at nucleotide position 1215. The lysine at codon 405 is replaced by asparagine, an amino acid with similar properties. This amino acid position is conserved. In addition, this alteration is predicted to be tolerated by in silico analysis. Based on the available evidence, the clinical significance of this variant remains unclear.

NM_005591.4(MRE11):c.1215G>C (p.Lys405Asn)

Gene: MRE11 (MRE11 double strand break repair nuclease; minus strand). Cytogenetic location: 11q21.
Variant type: single nucleotide variant.
Coding change: c.1215G>C on transcript NM_005591.4 (MANE Select); coding-DNA position 1215, G replaced by C.
Protein change: p.Lys405Asn; replaces lysine 405 with asparagine.
Molecular consequence: missense variant.
Genome position (GRCh38, 1-based): chr11:94,464,123, C>G on the plus strand (G>C on the coding strand, the complement: MRE11 is on the minus strand). VCF-style: chr11-94464123-C-G. GRCh37 (hg19) VCF-style: chr11-94197289-C-G.
Other names: c.1215G>C, p.Lys405Asn (NM_001330347.2, NM_005590.4); short protein forms K405N.
Identifiers: ClinVar variation 3295833 (VCV003295833.1).